The following is an entry in ClinVar:

ClinVar aggregate classification (germline): Uncertain significance (1 of 4 stars; one submission).

Submission:

Labcorp Genetics (formerly Invitae), Labcorp
Classification: Uncertain significance. Last evaluated: 2022-08-21. Review status: criteria provided, single submitter. Criteria: Invitae Variant Classification Sherloc (09022015). Collection method: clinical testing. Allele origin: germline.
Comment: This sequence change falls in intron 8 of the HPS1 gene. It does not directly change the encoded amino acid sequence of the HPS1 protein. This variant is not present in population databases (gnomAD no frequency). This variant has not been reported in the literature in individuals affected with HPS1-related conditions. Algorithms developed to predict the effect of sequence changes on RNA splicing suggest that this variant may create or strengthen a splice site. In summary, the available evidence is currently insufficient to determine the role of this variant in disease. Therefore, it has been classified as a Variant of Uncertain Significance.

NM_000195.5(HPS1):c.769-6G>C

Gene: HPS1 (HPS1 biogenesis of lysosomal organelles complex 3 subunit 1; minus strand). Cytogenetic location: 10q24.2.
Variant type: single nucleotide variant.
Coding change: c.769-6G>C on transcript NM_000195.5 (MANE Select); 6 bases into the intron before coding-DNA position 769, G replaced by C.
Molecular consequence: intron variant.
Genome position (GRCh38, 1-based): chr10:98,429,895, C>G on the plus strand (G>C on the coding strand, the complement: HPS1 is on the minus strand). VCF-style: chr10-98429895-C-G. GRCh37 (hg19) VCF-style: chr10-100189652-C-G.
Other names: c.400-6G>C (NM_001322483.2, NM_001322484.2); c.508-6G>C (NM_001322480.2, NM_001322481.2); c.769-253G>C (NM_001322478.2, NM_001322479.2, NM_001322491.2); c.769-6G>C (NM_001322476.2, NM_001322477.2, NM_182639.4); c.400-253G>C (NM_001322485.2); c.508-253G>C (NM_001322482.2); c.-105-253G>C (NM_001322489.2, NM_001311345.2); c.-204-6G>C (NM_001322487.2); and 2 more.
Identifiers: ClinVar variation 1939168 (VCV001939168.2), dbSNP rs2538906218, ClinGen allele CA2580082557.